The following is an entry in ClinVar:

NM_001348768.2(HECW2):c.700A>G (p.Thr234Ala)

Gene: HECW2 (HECT, C2 and WW domain containing E3 ubiquitin protein ligase 2; minus strand). Cytogenetic location: 2q32.3.
Variant type: single nucleotide variant.
Coding change: c.700A>G on transcript NM_001348768.2 (MANE Select); coding-DNA position 700, A replaced by G.
Protein change: p.Thr234Ala; replaces threonine 234 with alanine.
Molecular consequence: missense variant. On other transcripts: 5 prime UTR variant (1).
Genome position (GRCh38, 1-based): chr2:196,325,021, T>C on the plus strand (A>G on the coding strand, the complement: HECW2 is on the minus strand). VCF-style: chr2-196325021-T-C. GRCh37 (hg19) VCF-style: chr2-197189745-T-C.
Other names: c.-268A>G (NM_001304840.3); c.700A>G, p.Thr234Ala (NM_020760.4); short protein forms T234A.
Identifiers: ClinVar variation 377062 (VCV000377062.3), dbSNP rs1057520120, ClinGen allele CA16603251.

ClinVar aggregate classification (germline): Uncertain significance (1 of 4 stars; one submission).

Allele frequency attached by ClinVar (database versions not stated): gnomAD exomes below 0.00001; TOPMed below 0.00001; gnomAD 0.00001.
gnomAD v4.1: 4 of 1,605,664 alleles (0.00025%); highest among the groups gnomAD compares: Non-Finnish European, 0.00034%; no homozygotes.

Submission:

Center for Pediatric Genomic Medicine, Children's Mercy Hospital and Clinics
Classification: Uncertain significance. Last evaluated: 2017-02-06. Review status: criteria provided, single submitter. Criteria: ACMG Guidelines, 2015. Collection method: clinical testing. Allele origin: germline.
ClinVar note: Converted during submission from Uncertain Significance to Uncertain significance.